The following is an entry in ClinVar:

NM_016589.4(TIMMDC1):c.557G>A (p.Arg186His)

Gene: TIMMDC1 (translocase of inner mitochondrial membrane domain containing 1; plus strand). Cytogenetic location: 3q13.33.
Variant type: single nucleotide variant.
Coding change: c.557G>A on transcript NM_016589.4 (MANE Select); coding-DNA position 557, G replaced by A.
Protein change: p.Arg186His; replaces arginine 186 with histidine.
Molecular consequence: missense variant.
Genome position (GRCh38, 1-based): chr3:119,513,680, G>A. VCF-style: chr3-119513680-G-A. GRCh37 (hg19) VCF-style: chr3-119232527-G-A.
Other names: c.557G>A (NM_016589.3); short protein forms R186H.
Identifiers: ClinVar variation 2160515 (VCV002160515.4), dbSNP rs748766668, ClinGen allele CA2555284.
Genomic context (GRCh38, chr3:119,513,680, plus strand): 5'-GCCTTTCTTGTTTTTAAATAGCTGTCACGGGAAGTCTTTTTAGGATAAACGTAGGCCTGC[G>A]TGGCCTGGTGGCTGGTGGCATAATTGGAGCCTTGCTGGGGTAAGCATTAACATGGTTTGG-3'
Protein context (NP_057673.2, residues 176-196): GSLFRINVGL[Arg186His]GLVAGGIIGA

ClinVar aggregate classification (germline): Uncertain significance. Review status: criteria provided, multiple submitters, no conflicts (2 of 4 stars). 2 submissions from 2 submitters: Uncertain significance (2). Last evaluated 2025-12-02.

Allele frequency attached by ClinVar (database versions not stated): gnomAD 0.00002; gnomAD exomes 0.00003; ExAC 0.00005.
gnomAD v4.1: 48 of 1,609,928 alleles (0.003%); highest among the groups gnomAD compares: Admixed American, 0.014%; no homozygotes.

Submissions (2):

Ambry Genetics
Classification: Uncertain significance. Last evaluated: 2025-12-02. Review status: criteria provided, single submitter. Criteria: Ambry Variant Classification Scheme 2023. Collection method: clinical testing. Allele origin: germline.

Labcorp Genetics (formerly Invitae), Labcorp
Classification: Uncertain significance. Last evaluated: 2022-07-21. Review status: criteria provided, single submitter. Criteria: Invitae Variant Classification Sherloc (09022015). Collection method: clinical testing. Allele origin: germline.
Comment: In summary, the available evidence is currently insufficient to determine the role of this variant in disease. Therefore, it has been classified as a Variant of Uncertain Significance. Algorithms developed to predict the effect of missense changes on protein structure and function output the following: SIFT: "Tolerated"; PolyPhen-2: "Benign"; Align-GVGD: "Class C0". The histidine amino acid residue is found in multiple mammalian species, which suggests that this missense change does not adversely affect protein function. This variant has not been reported in the literature in individuals affected with TIMMDC1-related conditions. This variant is present in population databases (rs748766668, gnomAD 0.02%). This sequence change replaces arginine, which is basic and polar, with histidine, which is basic and polar, at codon 186 of the TIMMDC1 protein (p.Arg186His).